The following is an entry in ClinVar:

NM_033064.5(ATCAY):c.556G>T (p.Glu186Ter)

Gene: ATCAY (ATCAY kinesin light chain interacting caytaxin; plus strand). Cytogenetic location: 19p13.3.
Variant type: single nucleotide variant.
Coding change: c.556G>T on transcript NM_033064.5 (MANE Select); coding-DNA position 556, G replaced by T.
Protein change: p.Glu186Ter; replaces glutamic acid 186 with a stop codon.
Molecular consequence: nonsense.
Genome position (GRCh38, 1-based): chr19:3,908,279, G>T. VCF-style: chr19-3908279-G-T. GRCh37 (hg19) VCF-style: chr19-3908277-G-T.
Other names: short protein forms E186*.
Identifiers: ClinVar variation 4293711 (VCV004293711.1).

ClinVar aggregate classification (germline): Pathogenic (1 of 4 stars; one submission).

Conditions:
Cayman type cerebellar ataxia. Also called: Cayman ataxia. Identifiers: Orphanet 94122, MedGen C1832585, MONDO:0011025, OMIM 601238.

Submission:

3billion
Classification: Pathogenic for Cayman type cerebellar ataxia. Last evaluated: 2024-09-03. Review status: criteria provided, single submitter. Criteria: ACMG Guidelines, 2015. Collection method: clinical testing. Allele origin: germline. Affected: yes.
Comment: The variant is not observed in the gnomAD v4.0.0 dataset. Predicted Consequence/Location: Stop-gained (nonsense): predicted to result in a loss or disruption of normal protein function through nonsense-mediated decay (NMD) or protein truncation. Multiple pathogenic variants are reported downstream of the variant. Therefore, this variant is classified as Pathogenic according to the recommendation of ACMG/AMP guideline.